The following is an entry in ClinVar:

NM_001330195.2(NRXN3):c.4261G>T (p.Val1421Leu)

Gene: NRXN3 (neurexin 3; plus strand). Cytogenetic location: 14q31.1.
Variant type: single nucleotide variant.
Coding change: c.4261G>T on transcript NM_001330195.2 (MANE Select); coding-DNA position 4261, G replaced by T.
Protein change: p.Val1421Leu; replaces valine 1421 with leucine.
Molecular consequence: missense variant. On other transcripts: non-coding transcript variant (5), intron variant (4).
Genome position (GRCh38, 1-based): chr14:79,861,509, G>T. VCF-style: chr14-79861509-G-T. GRCh37 (hg19) VCF-style: chr14-80327852-G-T.
Other names: c.4261G>T (NM_001330195.1); c.1459G>T, p.Val487Leu (NM_001272020.2); c.4171G>T, p.Val1391Leu (NM_001366425.1); c.4106-154G>T (NM_001366426.1); c.2885-154G>T (NM_004796.6); c.1079-154G>T (NM_001105250.3); c.998-154G>T (NM_138970.5); short protein forms V1391L, V1421L, V487L.
Identifiers: ClinVar variation 2644428 (VCV002644428.25), dbSNP rs61738630, ClinGen allele CA7292453.

ClinVar aggregate classification (germline): Likely benign. Review status: criteria provided, single submitter (1 of 4 stars). 2 submissions from 2 submitters: Likely benign (1). 1 of the submissions does not count toward it. Last evaluated 2026-07-01.

Conditions:
NRXN3-related disorder. Also called: NRXN3-related condition.

Allele frequency attached by ClinVar (database versions not stated): 1000 Genomes Project 0.00240; 1000 Genomes Project 30x 0.00281; ExAC 0.00326; gnomAD 0.00470; TOPMed 0.00519; gnomAD exomes 0.00595.

Submissions (2):

CeGaT Center for Human Genetics Tuebingen
Classification: Likely benign. Last evaluated: 2026-07-01. Review status: criteria provided, single submitter. Criteria: CeGaT Center For Human Genetics Tuebingen Variant Classification Criteria Version 2. Collection method: clinical testing. Allele origin: germline. Affected: yes. Observed: 5 variant alleles.
Comment: NRXN3: BP4, BS2

PreventionGenetics, part of Exact Sciences
Classification: Benign for NRXN3-related condition. Last evaluated: 2021-11-03. Review status: no assertion criteria provided. Collection method: clinical testing. Allele origin: germline. Not counted in ClinVar's aggregate classification.
Comment: This variant is classified as benign based on ACMG/AMP sequence variant interpretation guidelines (Richards et al. 2015 PMID: 25741868, with internal and published modifications).